The following is an entry in ClinVar:

NM_006947.4(SRP72):c.607G>A (p.Glu203Lys)

Gene: SRP72 (signal recognition particle 72; plus strand). Cytogenetic location: 4q12.
Variant type: single nucleotide variant.
Coding change: c.607G>A on transcript NM_006947.4 (MANE Select); coding-DNA position 607, G replaced by A.
Protein change: p.Glu203Lys; replaces glutamic acid 203 with lysine.
Molecular consequence: missense variant. On other transcripts: non-coding transcript variant (1).
Genome position (GRCh38, 1-based): chr4:56,474,388, G>A. VCF-style: chr4-56474388-G-A. GRCh37 (hg19) VCF-style: chr4-57340554-G-A.
Other names: c.607G>A, p.Glu203Lys (NM_001267722.2); c.607G>A (NM_006947.3); short protein forms E203K.
Identifiers: ClinVar variation 2991582 (VCV002991582.4), dbSNP rs2110114043, ClinGen allele CA356997212.

ClinVar aggregate classification (germline): Uncertain significance. Review status: criteria provided, multiple submitters, no conflicts (2 of 4 stars). 2 submissions from 2 submitters: Uncertain significance (2). Last evaluated 2025-05-17.

Allele frequency attached by ClinVar (database versions not stated): gnomAD exomes below 0.00001.
gnomAD v4.1: 4 of 1,612,232 alleles (0.00025%); highest among the groups gnomAD compares: Non-Finnish European, 0.00034%; no homozygotes.

Submissions (2):

Ambry Genetics
Classification: Uncertain significance. Last evaluated: 2025-05-17. Review status: criteria provided, single submitter. Criteria: Ambry Variant Classification Scheme 2023. Collection method: clinical testing. Allele origin: germline.
Comment: The p.E203K variant (also known as c.607G>A), located in coding exon 5 of the SRP72 gene, results from a G to A substitution at nucleotide position 607. The glutamic acid at codon 203 is replaced by lysine, an amino acid with similar properties. This amino acid position is conserved. In addition, this alteration is predicted to be deleterious by in silico analysis. Based on the available evidence, the clinical significance of this variant remains unclear.

Labcorp Genetics (formerly Invitae), Labcorp
Classification: Uncertain significance. Last evaluated: 2024-01-14. Review status: criteria provided, single submitter. Criteria: Invitae Variant Classification Sherloc (09022015). Collection method: clinical testing. Allele origin: germline.
Comment: This sequence change replaces glutamic acid, which is acidic and polar, with lysine, which is basic and polar, at codon 203 of the SRP72 protein (p.Glu203Lys). This variant is not present in population databases (gnomAD no frequency). This variant has not been reported in the literature in individuals affected with SRP72-related conditions. Advanced modeling of protein sequence and biophysical properties (such as structural, functional, and spatial information, amino acid conservation, physicochemical variation, residue mobility, and thermodynamic stability) performed at Invitae indicates that this missense variant is not expected to disrupt SRP72 protein function with a negative predictive value of 80%. In summary, the available evidence is currently insufficient to determine the role of this variant in disease. Therefore, it has been classified as a Variant of Uncertain Significance.